The following is an entry in ClinVar:

NM_001330078.2(NRXN1):c.3365-109830G>A

Gene: NRXN1 (neurexin 1; minus strand). Cytogenetic location: 2p16.3.
Variant type: single nucleotide variant.
Coding change: c.3365-109830G>A on transcript NM_001330078.2 (MANE Select); 109830 bases into the intron before coding-DNA position 3365, G replaced by A.
Molecular consequence: intron variant. On other transcripts: synonymous variant (4).
Genome position (GRCh38, 1-based): chr2:50,346,800, C>T on the plus strand (G>A on the coding strand, the complement: NRXN1 is on the minus strand). VCF-style: chr2-50346800-C-T. GRCh37 (hg19) VCF-style: chr2-50573938-C-T.
Other names: p.G50G:GGG>GGA; c.150G>A (NM_001330097.1); c.150G>A, p.Gly50= (NM_001330091.2, NM_001330092.2, NM_001330097.2 and 1 more transcripts); c.3254-109830G>A (NM_001330096.2, NM_001330087.2); c.3299-109830G>A (NM_001330083.2, NM_001330084.2); c.3284-109830G>A (NM_001330088.2); c.3362-109830G>A (NM_001330093.2); c.3353-109830G>A (NM_001330094.2); and 5 more.
Identifiers: ClinVar variation 138561 (VCV000138561.13), dbSNP rs148517834, ClinGen allele CA292609.

ClinVar aggregate classification (germline): Benign/Likely benign. Review status: criteria provided, multiple submitters, no conflicts (2 of 4 stars). 5 submissions from 5 submitters: Benign (1); Likely benign (3). 1 of the submissions does not count toward it. Last evaluated 2026-02-01.

Conditions:
Inborn genetic diseases. Identifiers: MedGen C0950123, MeSH D030342.
NRXN1-related disorder.

Allele frequency attached by ClinVar (database versions not stated): 1000 Genomes Project 30x 0.00016; gnomAD exomes 0.00016; 1000 Genomes Project 0.00020; ExAC 0.00020; ESP Exome Variant Server 0.00046; gnomAD 0.00074; TOPMed 0.00076.
gnomAD v4.1: 190 of 1,613,480 alleles (0.012%); highest among the groups gnomAD compares: African/African-American, 0.22%; 1 homozygote.

Submissions (5):

CeGaT Center for Human Genetics Tuebingen
Classification: Likely benign. Last evaluated: 2026-02-01. Review status: criteria provided, single submitter. Criteria: CeGaT Center For Human Genetics Tuebingen Variant Classification Criteria Version 2. Collection method: clinical testing. Allele origin: germline. Affected: yes. Observed: 2 variant alleles.
Comment: NRXN1: BP4, BP7

Blueprint Genetics
Classification: Likely benign. Last evaluated: 2024-11-06. Review status: criteria provided, single submitter. Criteria: ACMG Guidelines, 2015. Collection method: clinical testing. Allele origin: germline.

Ambry Genetics
Classification: Likely benign for Inborn genetic diseases. Last evaluated: 2018-04-24. Review status: criteria provided, single submitter. Criteria: Ambry Variant Classification Scheme 2023. Collection method: clinical testing. Allele origin: germline.

GeneDx
Classification: Benign. Last evaluated: 2014-03-25. Review status: criteria provided, single submitter. Criteria: GeneDx Variant Classification (06012015). Collection method: clinical testing. Allele origin: germline. Affected: yes.
Comment: This variant is considered likely benign or benign based on one or more of the following criteria: it is a conservative change, it occurs at a poorly conserved position in the protein, it is predicted to be benign by multiple in silico algorithms, and/or has population frequency not consistent with disease.

PreventionGenetics, part of Exact Sciences
Classification: Likely benign for NRXN1-related condition. Last evaluated: 2019-07-16. Review status: no assertion criteria provided. Collection method: clinical testing. Allele origin: germline. Not counted in ClinVar's aggregate classification.
Comment: This variant is classified as likely benign based on ACMG/AMP sequence variant interpretation guidelines (Richards et al. 2015 PMID: 25741868, with internal and published modifications).